The following is an entry in ClinVar:

NM_002878.4(RAD51D):c.457_461delinsGGGTTTTA (p.Lys153_Thr154delinsGlyPheTyr)

Genes: RAD51D (RAD51 paralog D; minus strand), RAD51L3-RFFL (RAD51L3-RFFL readthrough; minus strand). Cytogenetic location: 17q12.
Variant type: Indel.
Coding change: c.457_461delinsGGGTTTTA on transcript NM_002878.4 (MANE Select); coding-DNA positions 457 to 461, AAAAC replaced by GGGTTTTA.
Protein change: p.Lys153_Thr154delinsGlyPheTyr.
Molecular consequence: inframe indel. On other transcripts: non-coding transcript variant (1), intron variant (1).
Genome position (GRCh38, 1-based): chr17:35,107,007-35,107,011, GTTTT replaced by TAAAACCC on the plus strand (AAAAC replaced by GGGTTTTA on the coding strand, the reverse complement: RAD51D is on the minus strand). VCF-style: chr17-35107007-GTTTT-TAAAACCC. GRCh37 (hg19) VCF-style: chr17-33434026-GTTTT-TAAAACCC.
Other names: c.517_521delinsGGGTTTTA, p.Lys173_Thr174delinsGlyPheTyr (NM_001142571.2); c.145-530_145-526delinsGGGTTTTA (NM_133629.3).
Identifiers: ClinVar variation 1315228 (VCV001315228.2), dbSNP rs2142432352, ClinGen allele CA2573054412.

ClinVar aggregate classification (germline): Uncertain significance (1 of 4 stars; one submission).

Submission:

GeneDx
Classification: Uncertain significance. Last evaluated: 2020-01-28. Review status: criteria provided, single submitter. Criteria: GeneDx Variant Classification Process June 2021. Collection method: clinical testing. Allele origin: germline. Affected: yes.
Comment: In-frame deletion of 2 amino acids and insertion of 3 amino acids in a non-repeat region; Not observed in large population cohorts (Lek 2016); Has not been previously published as pathogenic or benign to our knowledge; In silico analysis, which includes protein predictors and evolutionary conservation, supports a deleterious effect; Located in a critical functional domain: RAD51C binding region of the ATPase domain (Miller 2004, Gruver 2009, Kim 2011)